The following is an entry in ClinVar:

ClinVar aggregate classification (germline): Uncertain significance. Review status: criteria provided, multiple submitters, no conflicts (2 of 4 stars). 2 submissions from 2 submitters: Uncertain significance (2). Last evaluated 2024-12-12.

Conditions:
Hereditary cancer-predisposing syndrome. Also called: Neoplastic Syndromes, Hereditary; Tumor predisposition; Hereditary Cancer Syndrome; Hereditary neoplastic syndrome. Identifiers: Orphanet 140162, MedGen C0027672, MeSH D009386, MONDO:0015356.
Gastrointestinal stromal tumor. Also called: Gastrointestinal stromal tumor, somatic; Gastrointestinal stroma tumor. Identifiers: Orphanet 44890, MedGen C0238198, MeSH D046152, MONDO:0011719, OMIM 606764, HP:0100723.

Allele frequency attached by ClinVar (database versions not stated): TOPMed below 0.00001; ExAC 0.00001; gnomAD 0.00001.
gnomAD v4.1: 1 of 1,613,918 alleles (0.000062%); highest among the groups gnomAD compares: Admixed American, 0.0017%; no homozygotes.

Submissions (2):

Labcorp Genetics (formerly Invitae), Labcorp
Classification: Uncertain significance for Gastrointestinal stromal tumor. Last evaluated: 2024-12-12. Review status: criteria provided, single submitter. Criteria: Invitae Variant Classification Sherloc (09022015). Collection method: clinical testing. Allele origin: germline.
Comment: This sequence change replaces arginine, which is basic and polar, with histidine, which is basic and polar, at codon 822 of the PDGFRA protein (p.Arg822His). This variant is present in population databases (rs763325080, gnomAD 0.0009%). This missense change has been observed in individual(s) with thyroid carcinoma (PMID: 29625052, 36451132). ClinVar contains an entry for this variant (Variation ID: 1791679). Invitae Evidence Modeling of protein sequence and biophysical properties (such as structural, functional, and spatial information, amino acid conservation, physicochemical variation, residue mobility, and thermodynamic stability) indicates that this missense variant is not expected to disrupt PDGFRA protein function with a negative predictive value of 80%. In summary, the available evidence is currently insufficient to determine the role of this variant in disease. Therefore, it has been classified as a Variant of Uncertain Significance.

Ambry Genetics
Classification: Uncertain significance for Hereditary cancer-predisposing syndrome. Last evaluated: 2024-05-09. Review status: criteria provided, single submitter. Criteria: Ambry Variant Classification Scheme 2023. Collection method: clinical testing. Allele origin: germline.
Comment: The p.R822H variant (also known as c.2465G>A), located in coding exon 17 of the PDGFRA gene, results from a G to A substitution at nucleotide position 2465. The arginine at codon 822 is replaced by histidine, an amino acid with highly similar properties. This amino acid position is highly conserved in available vertebrate species. In addition, this alteration is predicted to be deleterious by in silico analysis. Based on the available evidence, the clinical significance of this variant remains unclear.

Literature cited by the submitters: PubMed 29625052 (cited by Labcorp Genetics (formerly Invitae), Labcorp); PubMed 36451132 (cited by Labcorp Genetics (formerly Invitae), Labcorp).

NM_006206.6(PDGFRA):c.2465G>A (p.Arg822His)

Gene: PDGFRA (platelet derived growth factor receptor alpha; plus strand). Cytogenetic location: 4q12.
Variant type: single nucleotide variant.
Coding change: c.2465G>A on transcript NM_006206.6 (MANE Select); coding-DNA position 2465, G replaced by A.
Protein change: p.Arg822His; replaces arginine 822 with histidine.
Molecular consequence: missense variant.
Genome position (GRCh38, 1-based): chr4:54,285,866, G>A. VCF-style: chr4-54285866-G-A. GRCh37 (hg19) VCF-style: chr4-55152033-G-A.
Other names: c.2540G>A, p.Arg847His (NM_001347828.2); c.2465G>A, p.Arg822His (NM_001347829.2); c.2504G>A, p.Arg835His (NM_001347830.2); short protein forms R835H, R822H, R847H.
Identifiers: ClinVar variation 1791679 (VCV001791679.5), dbSNP rs763325080, ClinGen allele CA2922873.